The following is an entry in ClinVar:

NM_001739.2(CA5A):c.544G>A (p.Val182Met)

Gene: CA5A (carbonic anhydrase 5A; minus strand). Cytogenetic location: 16q24.2.
Variant type: single nucleotide variant.
Coding change: c.544G>A on transcript NM_001739.2 (MANE Select); coding-DNA position 544, G replaced by A.
Protein change: p.Val182Met; replaces valine 182 with methionine.
Molecular consequence: missense variant. On other transcripts: non-coding transcript variant (2).
Genome position (GRCh38, 1-based): chr16:87,902,436, C>T on the plus strand (G>A on the coding strand, the complement: CA5A is on the minus strand). VCF-style: chr16-87902436-C-T. GRCh37 (hg19) VCF-style: chr16-87936042-C-T.
Other names: c.544G>A, p.Val182Met (NM_001367225.1); c.544G>A (NM_001739.1); short protein forms V182M.
Identifiers: ClinVar variation 1494683 (VCV001494683.12), dbSNP rs149854962, ClinGen allele CA8223437.

ClinVar aggregate classification (germline): Uncertain significance. Review status: criteria provided, multiple submitters, no conflicts (2 of 4 stars). 3 submissions from 3 submitters: Uncertain significance (3). Last evaluated 2026-02-06.

Conditions:
Hyperammonemic encephalopathy due to carbonic anhydrase VA deficiency. Also called: Carbonic Anhydrase VA Deficiency; Carbonic anhydrase VA deficiency, hyperammonemia due to. Identifiers: Orphanet 401948, MedGen C4706871, MONDO:0014332, OMIM 615751.

Allele frequency attached by ClinVar (database versions not stated): gnomAD exomes 0.00004; ExAC 0.00007; 1000 Genomes Project 30x 0.00047; 1000 Genomes Project 0.00060.
gnomAD v4.1: 164 of 1,606,788 alleles (0.01%); highest among the groups gnomAD compares: East Asian, 0.31%; 1 homozygote.

Submissions (3):

GeneDx
Classification: Uncertain significance. Last evaluated: 2026-02-06. Review status: criteria provided, single submitter. Criteria: GeneDx Variant Classification Process June 2021. Collection method: clinical testing. Allele origin: germline.
Comment: In silico analysis supports that this missense variant has a deleterious effect on protein structure/function; Has not been previously published as pathogenic or benign to our knowledge

Revvity Omics, Revvity
Classification: Uncertain significance for Hyperammonemic encephalopathy due to carbonic anhydrase VA deficiency. Last evaluated: 2024-01-08. Review status: criteria provided, single submitter. Criteria: ACMG Guidelines, 2015. Collection method: clinical testing. Allele origin: germline.

Labcorp Genetics (formerly Invitae), Labcorp
Classification: Uncertain significance for Hyperammonemic encephalopathy due to carbonic anhydrase VA deficiency. Last evaluated: 2021-07-19. Review status: criteria provided, single submitter. Criteria: Invitae Variant Classification Sherloc (09022015). Collection method: clinical testing. Allele origin: germline.
Comment: In summary, the available evidence is currently insufficient to determine the role of this variant in disease. Therefore, it has been classified as a Variant of Uncertain Significance. This sequence change replaces valine with methionine at codon 182 of the CA5A protein (p.Val182Met). The valine residue is highly conserved and there is a small physicochemical difference between valine and methionine. This variant is present in population databases (rs149854962, ExAC 0.08%). This variant has not been reported in the literature in individuals affected with CA5A-related conditions. Algorithms developed to predict the effect of missense changes on protein structure and function are either unavailable or do not agree on the potential impact of this missense change (SIFT: "Deleterious"; PolyPhen-2: "Probably Damaging"; Align-GVGD: "Class C15").